The following is an entry in ClinVar:

NM_005228.5(EGFR):c.3611G>A (p.Ser1204Asn)

Gene: EGFR (epidermal growth factor receptor; plus strand). Cytogenetic location: 7p11.2.
Variant type: single nucleotide variant.
Coding change: c.3611G>A on transcript NM_005228.5 (MANE Select); coding-DNA position 3611, G replaced by A.
Protein change: p.Ser1204Asn; replaces serine 1204 with asparagine.
Molecular consequence: missense variant.
Genome position (GRCh38, 1-based): chr7:55,205,595, G>A. VCF-style: chr7-55205595-G-A. GRCh37 (hg19) VCF-style: chr7-55273288-G-A.
Other names: c.3476G>A, p.Ser1159Asn (NM_001346899.2); c.3452G>A, p.Ser1151Asn (NM_001346900.2); c.2810G>A, p.Ser937Asn (NM_001346941.2); short protein forms S1151N, S937N, S1159N, S1204N.
Identifiers: ClinVar variation 2844411 (VCV002844411.3), dbSNP rs2128975671, ClinGen allele CA367585002.

ClinVar aggregate classification (germline): Uncertain significance (1 of 4 stars; one submission).

Conditions:
EGFR-related lung cancer (EGFR). Identifiers: MedGen CN130014.

Submission:

Labcorp Genetics (formerly Invitae), Labcorp
Classification: Uncertain significance for EGFR-related lung cancer. Last evaluated: 2023-05-18. Review status: criteria provided, single submitter. Criteria: Invitae Variant Classification Sherloc (09022015). Collection method: clinical testing. Allele origin: germline.
Comment: In summary, the available evidence is currently insufficient to determine the role of this variant in disease. Therefore, it has been classified as a Variant of Uncertain Significance. An algorithm developed to predict the effect of missense changes on protein structure and function (PolyPhen-2) suggests that this variant is likely to be tolerated. This variant has not been reported in the literature in individuals affected with EGFR-related conditions. This variant is not present in population databases (gnomAD no frequency). This sequence change replaces serine, which is neutral and polar, with asparagine, which is neutral and polar, at codon 1204 of the EGFR protein (p.Ser1204Asn).